The following is an entry in ClinVar:

NM_153240.5(NPHP3):c.2764T>C (p.Tyr922His)

Genes: NPHP3 (nephrocystin 3; minus strand), NPHP3-ACAD11 (NPHP3-ACAD11 readthrough (NMD candidate); minus strand). Cytogenetic location: 3q22.1.
Variant type: single nucleotide variant.
Coding change: c.2764T>C on transcript NM_153240.5 (MANE Select); coding-DNA position 2764, T replaced by C.
Protein change: p.Tyr922His; replaces tyrosine 922 with histidine.
Molecular consequence: missense variant. On other transcripts: non-coding transcript variant (1).
Genome position (GRCh38, 1-based): chr3:132,689,193, A>G on the plus strand (T>C on the coding strand, the complement: NPHP3 is on the minus strand). VCF-style: chr3-132689193-A-G. GRCh37 (hg19) VCF-style: chr3-132408037-A-G.
Other names: short protein forms Y922H.
Identifiers: ClinVar variation 3572699 (VCV003572699.1).

ClinVar aggregate classification (germline): Uncertain significance (1 of 4 stars; one submission).

Submission:

GeneDx
Classification: Uncertain significance. Last evaluated: 2024-07-11. Review status: criteria provided, single submitter. Criteria: GeneDx Variant Classification Process June 2021. Collection method: clinical testing. Allele origin: germline. Affected: yes.
Comment: Not observed at significant frequency in large population cohorts (gnomAD); In silico analysis indicates that this missense variant does not alter protein structure/function; Has not been previously published as pathogenic or benign to our knowledge